The following is an entry in ClinVar:

ClinVar aggregate classification (germline): Likely benign (0 of 4 stars; one submission).

Conditions:
Breast-ovarian cancer, familial, susceptibility to, 1 (BROVCA1). Also called: BRCA1 Hereditary Breast and Ovarian Cancer; OVARIAN CANCER, SUSCEPTIBILITY TO. Identifiers: Orphanet 145, MedGen C2676676, MONDO:0011450, OMIM 604370. Disease mechanism: loss of function.

Submissions (2):

BRCAlab, Lund University
Classification: Likely benign for Breast-ovarian cancer, familial, susceptibility to, 1. Last evaluated: 2024-02-02. Review status: no assertion criteria provided. Collection method: clinical testing. Allele origin: germline. Affected: yes.

Brotman Baty Institute, University of Washington
No classification provided (evidence only). Condition: Breast-ovarian cancer, familial 1. Review status: no classification provided. Collection method: in vitro. Allele origin: not applicable. Functional consequence: functionally_normal. Not counted in ClinVar's aggregate classification.
ClinVar note: "not provided" was previously submitted as the classification for the variant. However, the classification appeared to be based only on an observation of functional data so it was converted to no classification on 2025-07-30.

NM_007294.4(BRCA1):c.5002T>G (p.Phe1668Val)

Gene: BRCA1 (BRCA1 DNA repair associated; minus strand). Cytogenetic location: 17q21.31.
Variant type: single nucleotide variant.
Coding change: c.5002T>G on transcript NM_007294.4 (MANE Select); coding-DNA position 5002, T replaced by G.
Protein change: p.Phe1668Val; replaces phenylalanine 1668 with valine.
Molecular consequence: missense variant. On other transcripts: non-coding transcript variant (1).
Genome position (GRCh38, 1-based): chr17:43,067,680, A>C on the plus strand (T>G on the coding strand, the complement: BRCA1 is on the minus strand). VCF-style: chr17-43067680-A-C. GRCh37 (hg19) VCF-style: chr17-41219697-A-C.
Other names: c.1690T>G, p.Phe564Val (NM_001408472.1, NM_007298.4, NM_007299.4 and 13 more transcripts); c.1480T>G, p.Phe494Val (NM_001408484.1, NM_001408485.1, NM_001408489.1 and 5 more transcripts); c.1477T>G, p.Phe493Val (NM_001408492.1, NM_001408493.1); c.1453T>G, p.Phe485Val (NM_001408494.1); c.1447T>G, p.Phe483Val (NM_001408495.1); c.1366T>G, p.Phe456Val (NM_001408506.1); c.1363T>G, p.Phe455Val (NM_001408507.1); c.1354T>G, p.Phe452Val (NM_001408508.1); and 70 more; short protein forms F1621V, F564V, F1668V, F1689V, F1499V, F1541V, F1597V, F1598V.
Identifiers: ClinVar variation 868515 (VCV000868515.4), dbSNP rs587781472, ClinGen allele CA10591515.
Genomic context (GRCh38, chr17:43,067,680, plus strand): 5'-CAACATGAGTAGTCTCTTCAGTAATTAGATTAGTTAAAGTGATGTGGTGTTTTCTGGCAA[A>C]CTTGTACACGAGCATCTGAAATTAAATCAAATATTCCATTATCATGAGTTACCTCTAGCA-3'
Protein context (NP_009225.1, residues 1658-1678): TPEEFMLVYK[Phe1668Val]ARKHHITLTN